The following is an entry in ClinVar:

ClinVar aggregate classification (germline): Uncertain significance (1 of 4 stars; one submission).

Conditions:
Familial thoracic aortic aneurysm and aortic dissection (TAAD). Also called: Thoracic aortic aneurysms and dissections. Identifiers: Orphanet 91387, MedGen C4707243, MONDO:0019625.

Allele frequency attached by ClinVar (database versions not stated): TOPMed below 0.00001; gnomAD 0.00001.
gnomAD v4.1: 6 of 1,612,936 alleles (0.00037%); highest among the groups gnomAD compares: Non-Finnish European, 0.00042%; no homozygotes.

Submission:

Color Diagnostics, LLC DBA Color Health
Classification: Uncertain significance for Familial thoracic aortic aneurysm and aortic dissection. Last evaluated: 2024-05-06. Review status: criteria provided, single submitter. Criteria: ACMG Guidelines, 2015. Collection method: clinical testing. Allele origin: germline.
Comment: This variant changes 1 nucleotide in the 5' untranslated region of the MYH11 protein. To our knowledge, functional studies have not been reported for this variant. This variant has not been reported in individuals affected with MYH11-related disorders in the literature. This variant has been identified in 1/31370 chromosomes in the general population by the Genome Aggregation Database (gnomAD). The available evidence is insufficient to determine the role of this variant in disease conclusively. Therefore, this variant is classified as a Variant of Uncertain Significance.

NM_002474.3(MYH11):c.-15G>T

Gene: MYH11 (myosin heavy chain 11; minus strand). Cytogenetic location: 16p13.11.
Variant type: single nucleotide variant.
Coding change: c.-15G>T on transcript NM_002474.3 (MANE Select); 15 bases upstream of the start codon, G replaced by T.
Molecular consequence: 5 prime UTR variant.
Genome position (GRCh38, 1-based): chr16:15,838,267, C>A on the plus strand (G>T on the coding strand, the complement: MYH11 is on the minus strand). VCF-style: chr16-15838267-C-A. GRCh37 (hg19) VCF-style: chr16-15932124-C-A.
Other names: c.-15G>T (NM_001040113.2, NM_001040114.2, NM_022844.3).
Identifiers: ClinVar variation 1331945 (VCV001331945.3), dbSNP rs1471321087, ClinGen allele CA621663146.